The following is an entry in ClinVar:

ClinVar aggregate classification (germline): Uncertain significance (1 of 4 stars; one submission).

Conditions:
Primary ciliary dyskinesia. Also called: Ciliary dyskinesia. Identifiers: Orphanet 244, MedGen C0008780, MONDO:0016575, HP:0012265.

Submission:

Ambry Genetics
Classification: Uncertain significance for Primary ciliary dyskinesia. Last evaluated: 2025-03-03. Review status: criteria provided, single submitter. Criteria: Ambry Variant Classification Scheme 2023. Collection method: clinical testing. Allele origin: germline.
Comment: The p.T89A variant (also known as c.265A>G), located in coding exon 3 of the CCDC114 gene, results from an A to G substitution at nucleotide position 265. The threonine at codon 89 is replaced by alanine, an amino acid with similar properties. This amino acid position is conserved. In addition, this alteration is predicted to be tolerated by in silico analysis. Based on the available evidence, the clinical significance of this variant remains unclear.

NM_001364171.2(ODAD1):c.376A>G (p.Thr126Ala)

Gene: ODAD1 (outer dynein arm docking complex subunit 1; minus strand). Cytogenetic location: 19q13.33.
Variant type: single nucleotide variant.
Coding change: c.376A>G on transcript NM_001364171.2 (MANE Select); coding-DNA position 376, A replaced by G.
Protein change: p.Thr126Ala; replaces threonine 126 with alanine.
Molecular consequence: missense variant.
Genome position (GRCh38, 1-based): chr19:48,312,101, T>C on the plus strand (A>G on the coding strand, the complement: ODAD1 is on the minus strand). VCF-style: chr19-48312101-T-C. GRCh37 (hg19) VCF-style: chr19-48815358-T-C.
Other names: c.265A>G, p.Thr89Ala (NM_144577.4); short protein forms T126A, T89A.
Identifiers: ClinVar variation 3882545 (VCV003882545.1).